The following is an entry in ClinVar:

NM_002476.2(MYL4):c.203C>T (p.Thr68Ile)

Gene: MYL4 (myosin light chain 4; plus strand). Cytogenetic location: 17q21.32.
Variant type: single nucleotide variant.
Coding change: c.203C>T on transcript NM_002476.2 (MANE Select); coding-DNA position 203, C replaced by T.
Protein change: p.Thr68Ile; replaces threonine 68 with isoleucine.
Molecular consequence: missense variant.
Genome position (GRCh38, 1-based): chr17:47,219,943, C>T. VCF-style: chr17-47219943-C-T. GRCh37 (hg19) VCF-style: chr17-45297309-C-T.
Other names: c.203C>T, p.Thr68Ile (NM_001002841.2); short protein forms T68I.
Identifiers: ClinVar variation 2182397 (VCV002182397.4), dbSNP rs1008853280, ClinGen allele CA291225122.

ClinVar aggregate classification (germline): Uncertain significance (1 of 4 stars; one submission).

Conditions:
Atrial fibrillation, familial, 18 (ATFB18). Identifiers: MedGen C4310636, MONDO:0015001, OMIM 617280.

Allele frequency attached by ClinVar (database versions not stated): gnomAD 0.00001; gnomAD exomes 0.00003.
gnomAD v4.1: 39 of 1,614,086 alleles (0.0024%); highest among the groups gnomAD compares: Non-Finnish European, 0.0031%; no homozygotes.

Submission:

Labcorp Genetics (formerly Invitae), Labcorp
Classification: Uncertain significance for Atrial fibrillation, familial, 18. Last evaluated: 2024-01-21. Review status: criteria provided, single submitter. Criteria: Invitae Variant Classification Sherloc (09022015). Collection method: clinical testing. Allele origin: germline.
Comment: This sequence change replaces threonine, which is neutral and polar, with isoleucine, which is neutral and non-polar, at codon 68 of the MYL4 protein (p.Thr68Ile). This variant is present in population databases (no rsID available, gnomAD 0.01%). This variant has not been reported in the literature in individuals affected with MYL4-related conditions. ClinVar contains an entry for this variant (Variation ID: 2182397). An algorithm developed to predict the effect of missense changes on protein structure and function (PolyPhen-2) suggests that this variant is likely to be tolerated. In summary, the available evidence is currently insufficient to determine the role of this variant in disease. Therefore, it has been classified as a Variant of Uncertain Significance.